The following is an entry in ClinVar:

ClinVar aggregate classification (germline): Pathogenic. Review status: criteria provided, multiple submitters, no conflicts (2 of 4 stars). 5 submissions from 5 submitters: Pathogenic (5). Last evaluated 2025-05-01.

Conditions:
Autosomal dominant polycystic kidney disease. Identifiers: Orphanet 730, MedGen C0085413, MONDO:0004691.
Polycystic kidney disease, adult type (PKD1). Also called: POLYCYSTIC KIDNEY DISEASE 1 WITH OR WITHOUT POLYCYSTIC LIVER DISEASE; Polycystic Kidney Disease 1, Autosomal Dominant; Polycystic kidney disease 1; Polycystic kidney disease 1, severe; POLYCYSTIC KIDNEY DISEASE, ADULT, TYPE I; Polycystic Kidney, Autosomal Dominant. Identifiers: MedGen C3149841, MONDO:0008263, OMIM 173900.
PKD1-related disorder. Also called: PKD1-related condition.

Submissions (5):

Women's Health and Genetics/Laboratory Corporation of America, LabCorp
Classification: Pathogenic for Polycystic kidney disease, adult type. Last evaluated: 2025-05-01. Review status: criteria provided, single submitter. Criteria: LabCorp Variant Classification Summary - May 2015. Collection method: clinical testing. Allele origin: germline.
Comment: Variant summary: PKD1 c.9874delC (p.Leu3292TrpfsX24) results in a premature termination codon, predicted to cause a truncation of the encoded protein or absence of the protein due to nonsense mediated decay, which are commonly known mechanisms for disease. The variant was absent in 166294 control chromosomes. To our knowledge, no occurrence of c.9874delC in individuals affected with Polycystic Kidney Disease 1 and no experimental evidence demonstrating its impact on protein function have been reported. ClinVar contains an entry for this variant (Variation ID: 1806367). Based on the evidence outlined above, the variant was classified as pathogenic.

Blueprint Genetics
Classification: Pathogenic for PKD1-related disorders. Last evaluated: 2024-10-01. Review status: criteria provided, single submitter. Criteria: ACMG Guidelines, 2015. Collection method: clinical testing. Allele origin: germline. Affected: yes. Observed: 1 variant allele.

Molecular Genetics, Royal Melbourne Hospital
Classification: Pathogenic for Autosomal dominant polycystic kidney disease. Last evaluated: 2024-08-05. Review status: criteria provided, single submitter. Criteria: ACMG Guidelines, 2015. Collection method: clinical testing. Allele origin: germline. Inheritance: Autosomal dominant inheritance. Affected: yes.
Comment: This sequence change in PKD1 is a frameshift variant predicted to cause a premature stop codon, p.(Leu3292Trpfs*24), in biologically relevant exon 30/46 leading to nonsense-mediated decay in a gene in which loss-of-function is an established disease mechanism (PMID: 20301424). This variant is absent from the population database gnomAD v2.1 and v3.1. To our knowledge, this variant has not been previously reported in the relevant scientific literature. Based on the classification scheme RMH Modified ACMG/AMP Guidelines v1.7.0, this variant is classified as PATHOGENIC. Following criteria are met: PVS1, PM2_Supporting, PS4_Supporting

Fulgent Genetics
Classification: Pathogenic for Polycystic kidney disease, adult type. Last evaluated: 2024-06-05. Review status: criteria provided, single submitter. Criteria: ACMG Guidelines, 2015. Collection method: clinical testing. Allele origin: germline.

Victorian Clinical Genetics Services, Murdoch Childrens Research Institute
Classification: Pathogenic for Polycystic kidney disease, adult type. Last evaluated: 2021-05-06. Review status: criteria provided, single submitter. Criteria: ACMG Guidelines, 2015. Collection method: clinical testing. Allele origin: germline. Inheritance: Autosomal dominant inheritance. Affected: yes.
Comment: Based on the classification scheme VCGS_Germline_v1.3.4, this variant is classified as Pathogenic. Following criteria are met: 0102 - Loss of function is a known mechanism of disease in this gene and is associated with polycystic kidney disease 1 (MIM#173900). (I) 0107 - This gene is associated with autosomal dominant disease. Polycystic kidney disease 1 (MIM#173900) is predominantly caused by monoallelic variants, with rare reports of biallelic variants causing disease (OMIM). (I) 0201 - Variant is predicted to cause nonsense-mediated decay (NMD) and loss of protein (premature termination codon is located at least 54 nucleotides upstream of the final exon-exon junction). (SP) 0251 - This variant is heterozygous. (I) 0301 - Variant is absent from gnomAD (both v2 and v3). (SP) 0701 - Other NMD-predicted variants comparable to the one identified in this case have very strong previous evidence for pathogenicity. Nonsense and frameshift variants predicted to result in NMD are commonly reported pathogenic in this gene (ClinVar, PMID:22508176) (SP) 0807 - This variant has no previous evidence of pathogenicity. (I) 0905 - No published segregation evidence has been identified for this variant. (I) 1007 - No published functional evidence has been identified for this variant. (I) 1102 - Strong phenotype match for this individual. (SP) 1208 - Inheritance information for this variant is not currently available in this individual. (I) Legend: (SP) - Supporting pathogenic, (I) - Information, (SB) - Supporting benign

Literature cited by the submitters: PubMed 20301424 (cited by Molecular Genetics, Royal Melbourne Hospital); PubMed 22508176 (cited by Victorian Clinical Genetics Services, Murdoch Childrens Research Institute).

NM_001009944.3(PKD1):c.9874del (p.Leu3292fs)

Gene: PKD1 (polycystin 1, transient receptor potential channel interacting; minus strand). Cytogenetic location: 16p13.3.
Variant type: Deletion.
Coding change: c.9874del on transcript NM_001009944.3 (MANE Select); coding-DNA position 9874, one base deleted (C; older notation c.9874delC).
Protein change: p.Leu3292fs; shifts the reading frame from leucine 3292.
Molecular consequence: frameshift variant.
Genome position (GRCh38, 1-based): chr16:2,099,910, G deleted on the plus strand (C on the coding strand, the reverse complement: PKD1 is on the minus strand); the first of 2 consecutive G bases (chr16:2,099,910-2,099,911); deleting either gives the same sequence. VCF-style (leftmost placement, unchanged base first): chr16-2099909-AG-A. GRCh37 (hg19) VCF-style: chr16-2149910-AG-A.
Other names: c.9874del, p.Leu3292fs (NM_000296.4); c.9874delC (NM_001009944.2, NM_001009944.3); short protein forms L3292fs.
Identifiers: ClinVar variation 1806367 (VCV001806367.5), dbSNP rs2544712716, ClinGen allele CA1139771262.